The following is an entry in ClinVar:

ClinVar aggregate classification (germline): Uncertain significance (1 of 4 stars; one submission).

Submission:

Labcorp Genetics (formerly Invitae), Labcorp
Classification: Uncertain significance. Last evaluated: 2026-01-15. Review status: criteria provided, single submitter. Criteria: Invitae Variant Classification Sherloc (09022015). Collection method: clinical testing. Allele origin: germline.
Comment: This sequence change replaces isoleucine, which is neutral and non-polar, with threonine, which is neutral and polar, at codon 1787 of the ALPK3 protein (p.Ile1787Thr). This variant is present in population databases (rs770843490, gnomAD 0.0009%). This variant has not been reported in the literature in individuals affected with ALPK3-related conditions. ClinVar contains an entry for this variant (Variation ID: 3680539). Invitae Evidence Modeling of protein sequence and biophysical properties (such as structural, functional, and spatial information, amino acid conservation, physicochemical variation, residue mobility, and thermodynamic stability) indicates that this missense variant is expected to disrupt ALPK3 protein function with a positive predictive value of 80%. In summary, the available evidence is currently insufficient to determine the role of this variant in disease. Therefore, it has been classified as a Variant of Uncertain Significance.

NM_020778.5(ALPK3):c.4754T>C (p.Ile1585Thr)

Gene: ALPK3 (alpha kinase 3; plus strand). Cytogenetic location: 15q25.3.
Variant type: single nucleotide variant.
Coding change: c.4754T>C on transcript NM_020778.5 (MANE Select); coding-DNA position 4754, T replaced by C.
Protein change: p.Ile1585Thr; replaces isoleucine 1585 with threonine.
Molecular consequence: missense variant.
Genome position (GRCh38, 1-based): chr15:84,867,347, T>C. VCF-style: chr15-84867347-T-C. GRCh37 (hg19) VCF-style: chr15-85410578-T-C.
Other names: short protein forms I1585T.
Identifiers: ClinVar variation 3680539 (VCV003680539.2).